The following is an entry in ClinVar:

ClinVar aggregate classification (germline): Uncertain significance (1 of 4 stars; one submission).

gnomAD v4.1: 5 of 1,613,878 alleles (0.00031%); highest among the groups gnomAD compares: Non-Finnish European, 0.00042%; no homozygotes.

Submission:

GeneDx
Classification: Uncertain significance. Last evaluated: 2025-05-10. Review status: criteria provided, single submitter. Criteria: GeneDx Variant Classification Process June 2021. Collection method: clinical testing. Allele origin: germline. Affected: yes.
Comment: Not observed at significant frequency in large population cohorts (gnomAD); In silico analysis supports that this missense variant has a deleterious effect on protein structure/function; Has not been previously published as pathogenic or benign to our knowledge

NM_000642.3(AGL):c.2561C>T (p.Pro854Leu)

Gene: AGL (amylo-alpha-1,6-glucosidase and 4-alpha-glucanotransferase; plus strand). Cytogenetic location: 1p21.2.
Variant type: single nucleotide variant.
Coding change: c.2561C>T on transcript NM_000642.3 (MANE Select); coding-DNA position 2561, C replaced by T.
Protein change: p.Pro854Leu; replaces proline 854 with leucine.
Molecular consequence: missense variant. On other transcripts: intron variant (1).
Genome position (GRCh38, 1-based): chr1:99,884,583, C>T. VCF-style: chr1-99884583-C-T. GRCh37 (hg19) VCF-style: chr1-100350139-C-T.
Other names: c.2561C>T, p.Pro854Leu (NM_000028.3, NM_000643.3, NM_000644.3 and 2 more transcripts); c.2513C>T, p.Pro838Leu (NM_000646.3); c.2360C>T, p.Pro787Leu (NM_001425327.1); c.2357C>T, p.Pro786Leu (NM_001425328.1); c.2183C>T, p.Pro728Leu (NM_001425332.1); c.2342+132C>T (NM_001425329.1); short protein forms P728L, P786L, P787L, P838L, P854L.
Identifiers: ClinVar variation 4528119 (VCV004528119.1).